The following is an entry in ClinVar:

NM_000487.6(ARSA):c.971T>C (p.Ile324Thr)

Gene: ARSA (arylsulfatase A; minus strand). Cytogenetic location: 22q13.33.
Variant type: single nucleotide variant.
Coding change: c.971T>C on transcript NM_000487.6 (MANE Select); coding-DNA position 971, T replaced by C.
Protein change: p.Ile324Thr; replaces isoleucine 324 with threonine.
Molecular consequence: missense variant.
Genome position (GRCh38, 1-based): chr22:50,626,162, A>G on the plus strand (T>C on the coding strand, the complement: ARSA is on the minus strand). VCF-style: chr22-50626162-A-G. GRCh37 (hg19) VCF-style: chr22-51064590-A-G.
Other names: c.971T>C, p.Ile324Thr (NM_001085425.3, NM_001085426.3, NM_001085427.3); c.713T>C, p.Ile238Thr (NM_001085428.3, NM_001362782.2); short protein forms I238T, I324T.
Identifiers: ClinVar variation 848614 (VCV000848614.9), dbSNP rs1338627220, ClinGen allele CA412174267.

ClinVar aggregate classification (germline): Uncertain significance. Review status: criteria provided, single submitter (1 of 4 stars). 2 submissions from 2 submitters: Uncertain significance (1). 1 of the submissions does not count toward it. Last evaluated 2022-08-08.

Conditions:
Metachromatic leukodystrophy (MLD). Also called: Cerebral sclerosis diffuse metachromatic form; Arylsulfatase A Deficiency; METACHROMATIC LEUKOENCEPHALOPATHY; SULFATIDE LIPIDOSIS; ARSA DEFICIENCY; CEREBROSIDE SULFATASE DEFICIENCY. Identifiers: Orphanet 512, MedGen C0023522, MONDO:0018868, OMIM 250100.

Allele frequency attached by ClinVar (database versions not stated): gnomAD exomes below 0.00001 and 0.00001.

Submissions (2):

Labcorp Genetics (formerly Invitae), Labcorp
Classification: Uncertain significance for Metachromatic leukodystrophy. Last evaluated: 2022-08-08. Review status: criteria provided, single submitter. Criteria: Invitae Variant Classification Sherloc (09022015). Collection method: clinical testing. Allele origin: germline.
Comment: This sequence change replaces isoleucine, which is neutral and non-polar, with threonine, which is neutral and polar, at codon 324 of the ARSA protein (p.Ile324Thr). This variant is present in population databases (no rsID available, gnomAD 0.006%). This variant has not been reported in the literature in individuals affected with ARSA-related conditions. ClinVar contains an entry for this variant (Variation ID: 848614). Advanced modeling of protein sequence and biophysical properties (such as structural, functional, and spatial information, amino acid conservation, physicochemical variation, residue mobility, and thermodynamic stability) performed at Invitae indicates that this missense variant is expected to disrupt ARSA protein function. In summary, the available evidence is currently insufficient to determine the role of this variant in disease. Therefore, it has been classified as a Variant of Uncertain Significance.

Natera, Inc.
Classification: Uncertain significance for Metachromatic leukodystrophy. Last evaluated: 2020-09-16. Review status: no assertion criteria provided. Collection method: clinical testing. Allele origin: germline. Not counted in ClinVar's aggregate classification.